The following is an entry in ClinVar:

NM_020975.6(RET):c.1316A>G (p.Gln439Arg)

Gene: RET (ret proto-oncogene; plus strand). Cytogenetic location: 10q11.21.
Variant type: single nucleotide variant.
Coding change: c.1316A>G on transcript NM_020975.6 (MANE Select); coding-DNA position 1316, A replaced by G.
Protein change: p.Gln439Arg; replaces glutamine 439 with arginine.
Molecular consequence: missense variant. On other transcripts: intron variant (15).
Genome position (GRCh38, 1-based): chr10:43,111,259, A>G. VCF-style: chr10-43111259-A-G. GRCh37 (hg19) VCF-style: chr10-43606707-A-G.
Other names: c.554A>G, p.Gln185Arg (NM_001355216.2); c.1316A>G, p.Gln439Arg (NM_001406743.1, NM_001406744.1, NM_001406759.1 and 4 more transcripts); c.1187A>G, p.Gln396Arg (NM_001406761.1, NM_001406762.1, NM_001406764.1 and 1 more transcripts); c.1028A>G, p.Gln343Arg (NM_001406766.1, NM_001406767.1, NM_001406770.1); c.920A>G, p.Gln307Arg (NM_001406769.1, NM_001406772.1); c.878A>G, p.Gln293Arg (NM_001406771.1, NM_001406773.1); c.791A>G, p.Gln264Arg (NM_001406774.1); c.590A>G, p.Gln197Arg (NM_001406775.1, NM_001406776.1, NM_001406777.1 and 1 more transcripts); and 5 more; short protein forms Q185R, Q197R, Q293R, Q343R, Q396R, Q264R, Q307R, Q109R.
Identifiers: ClinVar variation 3432292 (VCV003432292.1).
Genomic context (GRCh38, chr10:43,111,259, plus strand): 5'-CCCCCTAGATCGGGAAAGTCTGTGTGGAAAACTGCCAGGCATTCAGTGGCATCAACGTCC[A>G]GTACAAGCTGCATTCCTCTGGTGCCAACTGCAGCACGCTAGGGGTGGTCACCTCAGCCGA-3'
Protein context (NP_066124.1, residues 429-449): NCQAFSGINV[Gln439Arg]YKLHSSGANC

ClinVar aggregate classification (germline): Uncertain significance (1 of 4 stars; one submission).

Conditions:
Hereditary cancer-predisposing syndrome. Also called: Neoplastic Syndromes, Hereditary; Tumor predisposition; Hereditary Cancer Syndrome; Hereditary neoplastic syndrome. Identifiers: Orphanet 140162, MedGen C0027672, MeSH D009386, MONDO:0015356.

Submission:

Ambry Genetics
Classification: Uncertain significance for Hereditary cancer-predisposing syndrome. Last evaluated: 2024-11-10. Review status: criteria provided, single submitter. Criteria: Ambry Variant Classification Scheme 2023. Collection method: clinical testing. Allele origin: germline.
Comment: The p.Q439R variant (also known as c.1316A>G), located in coding exon 7 of the RET gene, results from an A to G substitution at nucleotide position 1316. The glutamine at codon 439 is replaced by arginine, an amino acid with highly similar properties. This amino acid position is conserved. In addition, this alteration is predicted to be tolerated by in silico analysis. Based on the available evidence, the clinical significance of this variant remains unclear.